The following is an entry in ClinVar:

ClinVar aggregate classification (germline): Conflicting classifications of pathogenicity. Review status: criteria provided, conflicting classifications (1 of 4 stars). 2 submissions from 2 submitters: Likely pathogenic (1); Uncertain significance (1). Last evaluated 2026-08-31.

Submissions (2):

GeneDx
Classification: Likely pathogenic. Last evaluated: 2026-08-31. Review status: criteria provided, single submitter. Criteria: GeneDx Variant Classification Process June 2021. Collection method: clinical testing. Allele origin: germline.
Comment: Not observed at significant frequency in large population cohorts (gnomAD); In silico analysis supports a deleterious effect on splicing; In silico analysis suggests that this missense variant does not alter protein structure/function; Has not been previously published as pathogenic or benign to our knowledge

ARUP Laboratories, Molecular Genetics and Genomics, ARUP Laboratories
Classification: Uncertain significance. Last evaluated: 2017-02-22. Review status: criteria provided, single submitter. Criteria: ARUP Molecular Germline Variant Investigation Process. Collection method: clinical testing. Allele origin: germline.

NM_001009944.3(PKD1):c.1384A>G (p.Arg462Gly)

Gene: PKD1 (polycystin 1, transient receptor potential channel interacting; minus strand). Cytogenetic location: 16p13.3.
Variant type: single nucleotide variant.
Coding change: c.1384A>G on transcript NM_001009944.3 (MANE Select); coding-DNA position 1384, A replaced by G.
Protein change: p.Arg462Gly; replaces arginine 462 with glycine.
Molecular consequence: missense variant.
Genome position (GRCh38, 1-based): chr16:2,117,490, T>C on the plus strand (A>G on the coding strand, the complement: PKD1 is on the minus strand). VCF-style: chr16-2117490-T-C. GRCh37 (hg19) VCF-style: chr16-2167491-T-C.
Other names: c.1384A>G, p.Arg462Gly (NM_000296.4); short protein forms R462G.
Identifiers: ClinVar variation 440128 (VCV000440128.13), dbSNP rs1555458865, ClinGen allele CA394392347.